The following is an entry in ClinVar:

NM_007103.4(NDUFV1):c.131A>G (p.Asn44Ser)

Gene: NDUFV1 (NADH:ubiquinone oxidoreductase core subunit V1; plus strand). Cytogenetic location: 11q13.2.
Variant type: single nucleotide variant.
Coding change: c.131A>G on transcript NM_007103.4 (MANE Select); coding-DNA position 131, A replaced by G.
Protein change: p.Asn44Ser; replaces asparagine 44 with serine.
Molecular consequence: missense variant.
Genome position (GRCh38, 1-based): chr11:67,608,454, A>G. VCF-style: chr11-67608454-A-G. GRCh37 (hg19) VCF-style: chr11-67375925-A-G.
Other names: c.131A>G (NM_007103.3); c.104A>G, p.Asn35Ser (NM_001166102.2); short protein forms N44S, N35S.
Identifiers: ClinVar variation 2097167 (VCV002097167.5), dbSNP rs1854851272, ClinGen allele CA381532720.

ClinVar aggregate classification (germline): Uncertain significance. Review status: criteria provided, multiple submitters, no conflicts (2 of 4 stars). 2 submissions from 2 submitters: Uncertain significance (2). Last evaluated 2025-03-30.

Conditions:
Inborn genetic diseases. Identifiers: MedGen C0950123, MeSH D030342.

Allele frequency attached by ClinVar (database versions not stated): gnomAD exomes below 0.00001; gnomAD 0.00001.

Submissions (2):

Ambry Genetics
Classification: Uncertain significance for Inborn genetic diseases. Last evaluated: 2025-03-30. Review status: criteria provided, single submitter. Criteria: Ambry Variant Classification Scheme 2023. Collection method: clinical testing. Allele origin: germline.

Labcorp Genetics (formerly Invitae), Labcorp
Classification: Uncertain significance. Last evaluated: 2022-02-12. Review status: criteria provided, single submitter. Criteria: Invitae Variant Classification Sherloc (09022015). Collection method: clinical testing. Allele origin: germline.
Comment: In summary, the available evidence is currently insufficient to determine the role of this variant in disease. Therefore, it has been classified as a Variant of Uncertain Significance. Algorithms developed to predict the effect of sequence changes on RNA splicing suggest that this variant may create or strengthen a splice site. Advanced modeling of protein sequence and biophysical properties (such as structural, functional, and spatial information, amino acid conservation, physicochemical variation, residue mobility, and thermodynamic stability) performed at Invitae indicates that this missense variant is expected to disrupt NDUFV1 protein function. This variant has not been reported in the literature in individuals affected with NDUFV1-related conditions. This variant is not present in population databases (gnomAD no frequency). This sequence change replaces asparagine, which is neutral and polar, with serine, which is neutral and polar, at codon 44 of the NDUFV1 protein (p.Asn44Ser).